The following is an entry in ClinVar:

NM_019066.5(MAGEL2):c.3704C>A (p.Thr1235Asn)

Gene: MAGEL2 (MAGE family member L2; minus strand). Cytogenetic location: 15q11.2.
Variant type: single nucleotide variant.
Coding change: c.3704C>A on transcript NM_019066.5 (MANE Select); coding-DNA position 3704, C replaced by A.
Protein change: p.Thr1235Asn; replaces threonine 1235 with asparagine.
Molecular consequence: missense variant.
Genome position (GRCh38, 1-based): chr15:23,644,039, G>T on the plus strand (C>A on the coding strand, the complement: MAGEL2 is on the minus strand). VCF-style: chr15-23644039-G-T. GRCh37 (hg19) VCF-style: chr15-23889186-G-T.
Other names: short protein forms T1235N.
Identifiers: ClinVar variation 2634562 (VCV002634562.4), dbSNP rs375318717, ClinGen allele CA7429655.

ClinVar aggregate classification (germline): Uncertain significance. Review status: criteria provided, multiple submitters, no conflicts (2 of 4 stars). 2 submissions from 2 submitters: Uncertain significance (2). Last evaluated 2026-05-01.

Conditions:
MAGEL2-related disorder. Also called: MAGEL2-related condition.

Allele frequency attached by ClinVar (database versions not stated): ExAC 0.00001; gnomAD 0.00002; TOPMed 0.00002; ESP Exome Variant Server 0.00008.
gnomAD v4.1: 66 of 1,611,868 alleles (0.0041%); highest among the groups gnomAD compares: Non-Finnish European, 0.0053%; no homozygotes.

Submissions (2):

PreventionGenetics, part of Exact Sciences
Classification: Uncertain significance for MAGEL2-related condition. Last evaluated: 2026-05-01. Review status: criteria provided, single submitter. Criteria: ACMG Guidelines, 2015. Collection method: clinical testing. Allele origin: germline.
Comment: The MAGEL2 c.3704C>A variant is predicted to result in the amino acid substitution p.Thr1235Asn. To our knowledge, this variant has not been reported in the literature. This variant is reported in 0.0041% of alleles in individuals of African descent in gnomAD. At this time, the clinical significance of this variant is uncertain due to the absence of conclusive functional and genetic evidence.

Labcorp Genetics (formerly Invitae), Labcorp
Classification: Uncertain significance. Last evaluated: 2025-10-01. Review status: criteria provided, single submitter. Criteria: Invitae Variant Classification Sherloc (09022015). Collection method: clinical testing. Allele origin: germline.
Comment: This sequence change replaces threonine, which is neutral and polar, with asparagine, which is neutral and polar, at codon 1235 of the MAGEL2 protein (p.Thr1235Asn). This variant is present in population databases (rs375318717, gnomAD 0.004%). This variant has not been reported in the literature in individuals affected with MAGEL2-related conditions. ClinVar contains an entry for this variant (Variation ID: 2634562). Invitae Evidence Modeling of protein sequence and biophysical properties (such as structural, functional, and spatial information, amino acid conservation, physicochemical variation, residue mobility, and thermodynamic stability) indicates that this missense variant is not expected to disrupt MAGEL2 protein function with a negative predictive value of 80%. In summary, the available evidence is currently insufficient to determine the role of this variant in disease. Therefore, it has been classified as a Variant of Uncertain Significance.